The following is an entry in ClinVar:

ClinVar aggregate classification (germline): Uncertain significance (1 of 4 stars; one submission).

Allele frequency attached by ClinVar (database versions not stated): gnomAD exomes below 0.00001; gnomAD 0.00001; TOPMed 0.00001.
gnomAD v4.1: 7 of 1,550,264 alleles (0.00045%); highest among the groups gnomAD compares: South Asian, 0.0059%; no homozygotes.

Submission:

GeneDx
Classification: Uncertain significance. Last evaluated: 2023-07-10. Review status: criteria provided, single submitter. Criteria: GeneDx Variant Classification Process June 2021. Collection method: clinical testing. Allele origin: germline. Affected: yes.
Comment: Has not been previously published as pathogenic or benign to our knowledge; Not observed at significant frequency in large population cohorts (gnomAD); In silico analysis supports that this missense variant does not alter protein structure/function

NM_001367624.2(ZNF469):c.5996A>G (p.Asn1999Ser)

Gene: ZNF469 (zinc finger protein 469; plus strand). Cytogenetic location: 16q24.2.
Variant type: single nucleotide variant.
Coding change: c.5996A>G on transcript NM_001367624.2 (MANE Select); coding-DNA position 5996, A replaced by G.
Protein change: p.Asn1999Ser; replaces asparagine 1999 with serine.
Molecular consequence: missense variant.
Genome position (GRCh38, 1-based): chr16:88,433,466, A>G. VCF-style: chr16-88433466-A-G. GRCh37 (hg19) VCF-style: chr16-88499874-A-G.
Other names: NM_001127464.1:c.5912A>G; short protein forms N1999S.
Identifiers: ClinVar variation 1703976 (VCV001703976.3), dbSNP rs1306788212, ClinGen allele CA397103524.